The following is an entry in ClinVar:

NM_000057.4(BLM):c.226C>A (p.Pro76Thr)

Gene: BLM (BLM RecQ like helicase; plus strand). Cytogenetic location: 15q26.1.
Variant type: single nucleotide variant.
Coding change: c.226C>A on transcript NM_000057.4 (MANE Select); coding-DNA position 226, C replaced by A.
Protein change: p.Pro76Thr; replaces proline 76 with threonine.
Molecular consequence: missense variant. On other transcripts: 5 prime UTR variant (1).
Genome position (GRCh38, 1-based): chr15:90,749,494, C>A. VCF-style: chr15-90749494-C-A. GRCh37 (hg19) VCF-style: chr15-91292724-C-A.
Other names: c.226C>A, p.Pro76Thr (NM_001287246.2, NM_001287247.2); c.-1066C>A (NM_001287248.2); short protein forms P76T.
Identifiers: ClinVar variation 454098 (VCV000454098.21), dbSNP rs768843912, ClinGen allele CA274727807.

ClinVar aggregate classification (germline): Uncertain significance. Review status: criteria provided, multiple submitters, no conflicts (2 of 4 stars). 4 submissions from 4 submitters: Uncertain significance (3). 1 of the submissions does not count toward it. Last evaluated 2026-01-18.

Conditions:
Hereditary cancer-predisposing syndrome. Also called: Tumor predisposition; Hereditary Cancer Syndrome; Neoplastic Syndromes, Hereditary; Hereditary neoplastic syndrome. Identifiers: Orphanet 140162, MedGen C0027672, MeSH D009386, MONDO:0015356.
Bloom syndrome (BLM). Also called: Bloom-Torre-Machacek syndrome. Identifiers: Orphanet 125, MedGen C0005859, MONDO:0008876, OMIM 210900.

Allele frequency attached by ClinVar (database versions not stated): TOPMed 0.00006; gnomAD 0.00003 and 0.00004.
gnomAD v4.1: 33 of 1,613,982 alleles (0.002%); highest among the groups gnomAD compares: Middle Eastern, 0.016%; no homozygotes.

Submissions (4):

Labcorp Genetics (formerly Invitae), Labcorp
Classification: Uncertain significance for Bloom syndrome. Last evaluated: 2026-01-18. Review status: criteria provided, single submitter. Criteria: Invitae Variant Classification Sherloc (09022015). Collection method: clinical testing. Allele origin: germline.
Comment: This sequence change replaces proline, which is neutral and non-polar, with threonine, which is neutral and polar, at codon 76 of the BLM protein (p.Pro76Thr). This variant is present in population databases (no rsID available, gnomAD 0.004%). This variant has not been reported in the literature in individuals affected with BLM-related conditions. ClinVar contains an entry for this variant (Variation ID: 454098). An algorithm developed to predict the effect of missense changes on protein structure and function outputs the following: PolyPhen-2: "Benign". The threonine amino acid residue is found in multiple mammalian species, which suggests that this missense change does not adversely affect protein function. In summary, the available evidence is currently insufficient to determine the role of this variant in disease. Therefore, it has been classified as a Variant of Uncertain Significance.

Ambry Genetics
Classification: Uncertain significance for Hereditary cancer-predisposing syndrome. Last evaluated: 2025-08-01. Review status: criteria provided, single submitter. Criteria: Ambry Variant Classification Scheme 2023. Collection method: clinical testing. Allele origin: germline.
Comment: The p.P76T variant (also known as c.226C>A), located in coding exon 2 of the BLM gene, results from a C to A substitution at nucleotide position 226. The proline at codon 76 is replaced by threonine, an amino acid with highly similar properties. This amino acid position is not well conserved in available vertebrate species. In addition, this alteration is predicted to be tolerated by in silico analysis. Since supporting evidence is limited at this time, the clinical significance of this alteration remains unclear.

GeneDx
Classification: Uncertain significance. Last evaluated: 2024-11-11. Review status: criteria provided, single submitter. Criteria: GeneDx Variant Classification Process June 2021. Collection method: clinical testing. Allele origin: germline.
Comment: Not observed at significant frequency in large population cohorts (gnomAD); In silico analysis indicates that this missense variant does not alter protein structure/function; Has not been previously published as pathogenic or benign to our knowledge

Natera, Inc.
Classification: Uncertain significance for Bloom syndrome. Last evaluated: 2017-11-20. Review status: no assertion criteria provided. Collection method: clinical testing. Allele origin: germline. Not counted in ClinVar's aggregate classification.